The following is an entry in ClinVar:

ClinVar aggregate classification (germline): Pathogenic (1 of 4 stars; one submission).

Conditions:
RASopathy. Also called: rasopathies; Noonan spectrum disorder. Identifiers: Orphanet 536391, MedGen C5555857, MONDO:0021060.

Submission:

Labcorp Genetics (formerly Invitae), Labcorp
Classification: Pathogenic for RASopathy. Last evaluated: 2018-08-24. Review status: criteria provided, single submitter. Criteria: Invitae Variant Classification Sherloc (09022015). Collection method: clinical testing. Allele origin: germline.
Comment: This variant is an out-of-frame deletion of the genomic region encompassing exons 8-9 of the PTPN11 gene. This is expected to create a premature translational stop signal and result in an absent or disrupted protein product. This variant has not been reported in the literature in individuals with PTPN11-related disease. Loss-of-function variants in PTPN11 are known to be pathogenic (PMID:¬†21533187, 20577567). For these reasons, this variant has been classified as Pathogenic.

NC_000012.11:g.(?_112915449)_(112915825_?)del

Gene: PTPN11 (protein tyrosine phosphatase non-receptor type 11; plus strand). Cytogenetic location: 12q24.13.
Variant type: Deletion.
Identifiers: ClinVar variation 1070485 (VCV001070485.5).